The following is an entry in ClinVar:

ClinVar aggregate classification (germline): Uncertain significance. Review status: criteria provided, multiple submitters, no conflicts (2 of 4 stars). 2 submissions from 2 submitters: Uncertain significance (2). Last evaluated 2026-01-18.

Allele frequency attached by ClinVar (database versions not stated): TOPMed 0.00021; gnomAD exomes 0.00022 and 0.00023; ESP Exome Variant Server 0.00023; ExAC 0.00024; gnomAD 0.00036 and 0.00038.
gnomAD v4.1: 368 of 1,613,784 alleles (0.023%); highest among the groups gnomAD compares: Non-Finnish European, 0.029%; 2 homozygotes.

Submissions (2):

Labcorp Genetics (formerly Invitae), Labcorp
Classification: Uncertain significance. Last evaluated: 2026-01-18. Review status: criteria provided, single submitter. Criteria: Invitae Variant Classification Sherloc (09022015). Collection method: clinical testing. Allele origin: germline.
Comment: This sequence change replaces glutamic acid, which is acidic and polar, with glycine, which is neutral and non-polar, at codon 365 of the CLUAP1 protein (p.Glu365Gly). This variant is present in population databases (rs144693797, gnomAD 0.05%), and has an allele count higher than expected for a pathogenic variant. This variant has not been reported in the literature in individuals affected with CLUAP1-related conditions. ClinVar contains an entry for this variant (Variation ID: 954701). An algorithm developed to predict the effect of missense changes on protein structure and function (PolyPhen-2) suggests that this variant is likely to be tolerated. In summary, the available evidence is currently insufficient to determine the role of this variant in disease. Therefore, it has been classified as a Variant of Uncertain Significance.

Ambry Genetics
Classification: Uncertain significance. Last evaluated: 2021-07-09. Review status: criteria provided, single submitter. Criteria: Ambry Variant Classification Scheme 2023. Collection method: clinical testing. Allele origin: germline.

NM_015041.3(CLUAP1):c.1094A>G (p.Glu365Gly)

Gene: CLUAP1 (clusterin associated protein 1; plus strand). Cytogenetic location: 16p13.3.
Variant type: single nucleotide variant.
Coding change: c.1094A>G on transcript NM_015041.3 (MANE Select); coding-DNA position 1094, A replaced by G.
Protein change: p.Glu365Gly; replaces glutamic acid 365 with glycine.
Molecular consequence: missense variant.
Genome position (GRCh38, 1-based): chr16:3,536,123, A>G. VCF-style: chr16-3536123-A-G. GRCh37 (hg19) VCF-style: chr16-3586123-A-G.
Other names: c.1094A>G (NM_015041.1); c.1151A>G, p.Glu384Gly (NM_001330454.2); c.596A>G, p.Glu199Gly (NM_024793.3); short protein forms E199G, E384G, E365G.
Identifiers: ClinVar variation 954701 (VCV000954701.8), dbSNP rs144693797, ClinGen allele CA7864042.